The following is an entry in ClinVar:

ClinVar aggregate classification (germline): Uncertain significance. Review status: criteria provided, single submitter (1 of 4 stars). 2 submissions from 2 submitters: Uncertain significance (1). 1 of the submissions does not count toward it. Last evaluated 2021-09-01.

Conditions:
Propionic acidemia (PROP). Also called: GLYCINEMIA, KETOTIC; HYPERGLYCINEMIA WITH KETOACIDOSIS AND LEUKOPENIA; KETOTIC HYPERGLYCINEMIA. Identifiers: Orphanet 35, MedGen C0268579, MONDO:0011628, OMIM 606054, HP:0003571.

Allele frequency attached by ClinVar (database versions not stated): gnomAD exomes below 0.00001 and 0.00001; gnomAD 0.00002 and 0.00003; TOPMed 0.00002.
gnomAD v4.1: 7 of 1,614,012 alleles (0.00043%); highest among the groups gnomAD compares: African/African-American, 0.0067%; no homozygotes.

Submissions (2):

Labcorp Genetics (formerly Invitae), Labcorp
Classification: Uncertain significance for Propionic acidemia. Last evaluated: 2021-09-01. Review status: criteria provided, single submitter. Criteria: Invitae Variant Classification Sherloc (09022015). Collection method: clinical testing. Allele origin: germline.
Comment: This sequence change replaces glutamic acid with lysine at codon 645 of the PCCA protein (p.Glu645Lys). The glutamic acid residue is highly conserved and there is a small physicochemical difference between glutamic acid and lysine. This variant is not present in population databases (ExAC no frequency). This variant has not been reported in the literature in individuals affected with PCCA-related conditions. Algorithms developed to predict the effect of missense changes on protein structure and function output the following: SIFT: "Tolerated"; PolyPhen-2: "Benign"; Align-GVGD: "Class C0". The lysine amino acid residue is found in multiple mammalian species, which suggests that this missense change does not adversely affect protein function. In summary, the available evidence is currently insufficient to determine the role of this variant in disease. Therefore, it has been classified as a Variant of Uncertain Significance.

Natera, Inc.
Classification: Uncertain significance for Propionic acidemia. Last evaluated: 2021-08-06. Review status: no assertion criteria provided. Collection method: clinical testing. Allele origin: germline. Not counted in ClinVar's aggregate classification.

NM_000282.4(PCCA):c.1933G>A (p.Glu645Lys)

Gene: PCCA (propionyl-CoA carboxylase subunit alpha; plus strand). Cytogenetic location: 13q32.3.
Variant type: single nucleotide variant.
Coding change: c.1933G>A on transcript NM_000282.4 (MANE Select); coding-DNA position 1933, G replaced by A.
Protein change: p.Glu645Lys; replaces glutamic acid 645 with lysine.
Molecular consequence: missense variant. On other transcripts: non-coding transcript variant (4), intron variant (2).
Genome position (GRCh38, 1-based): chr13:100,515,460, G>A. VCF-style: chr13-100515460-G-A. GRCh37 (hg19) VCF-style: chr13-101167714-G-A.
Other names: c.1855G>A, p.Glu619Lys (NM_001127692.3); c.1879G>A, p.Glu627Lys (NM_001352605.2); c.1789G>A, p.Glu597Lys (NM_001352606.2); c.1711G>A, p.Glu571Lys (NM_001352608.2); c.988G>A, p.Glu330Lys (NM_001352610.2); c.934G>A, p.Glu312Lys (NM_001352611.2); c.844G>A, p.Glu282Lys (NM_001352612.2); c.1900-12215G>A (NM_001178004.2); and 1 more; short protein forms E282K, E312K, E330K, E571K, E597K, E619K, E627K, E645K.
Identifiers: ClinVar variation 1006627 (VCV001006627.10), dbSNP rs145428347, ClinGen allele CA255366641.